The following is an entry in ClinVar:

ClinVar aggregate classification (germline): Uncertain significance (1 of 4 stars; one submission).

Conditions:
Nemaline myopathy 6 (NEM6). Also called: Nemaline myopathy 6, autosomal dominant. Identifiers: Orphanet 171439, MedGen C1836472, MONDO:0012237, OMIM 609273.

Submission:

Labcorp Genetics (formerly Invitae), Labcorp
Classification: Uncertain significance for Nemaline myopathy 6. Last evaluated: 2024-04-22. Review status: criteria provided, single submitter. Criteria: Invitae Variant Classification Sherloc (09022015). Collection method: clinical testing. Allele origin: germline.
Comment: This sequence change replaces arginine, which is basic and polar, with glutamine, which is neutral and polar, at codon 37 of the KBTBD13 protein (p.Arg37Gln). Information on the frequency of this variant in the gnomAD database is not available, as this variant may be reported differently in the database. This variant has not been reported in the literature in individuals affected with KBTBD13-related conditions. An algorithm developed to predict the effect of missense changes on protein structure and function (PolyPhen-2) suggests that this variant is likely to be tolerated. In summary, the available evidence is currently insufficient to determine the role of this variant in disease. Therefore, it has been classified as a Variant of Uncertain Significance.

NM_001101362.3(KBTBD13):c.110_111delinsAG (p.Arg37Gln)

Gene: KBTBD13 (kelch repeat and BTB domain containing 13; plus strand). Cytogenetic location: 15q22.31.
Variant type: Indel.
Coding change: c.110_111delinsAG on transcript NM_001101362.3 (MANE Select); coding-DNA positions 110 to 111, GC replaced by AG.
Protein change: p.Arg37Gln; replaces arginine 37 with glutamine.
Molecular consequence: missense variant.
Genome position (GRCh38, 1-based): chr15:65,076,925-65,076,926, GC replaced by AG. VCF-style: chr15-65076925-GC-AG. GRCh37 (hg19) VCF-style: chr15-65369263-GC-AG.
Other names: short protein forms R37Q.
Identifiers: ClinVar variation 3710260 (VCV003710260.2).